The following is an entry in ClinVar:

ClinVar aggregate classification (germline): Uncertain significance. Review status: criteria provided, multiple submitters, no conflicts (2 of 4 stars). 2 submissions from 2 submitters: Uncertain significance (2). Last evaluated 2025-02-12.

Conditions:
MAGEL2-related disorder. Also called: MAGEL2-related condition.

Allele frequency attached by ClinVar (database versions not stated): gnomAD exomes below 0.00001; gnomAD 0.00001; TOPMed 0.00002.
gnomAD v4.1: 3 of 1,613,814 alleles (0.00019%); highest among the groups gnomAD compares: African/African-American, 0.004%; no homozygotes.

Submissions (2):

PreventionGenetics, part of Exact Sciences
Classification: Uncertain significance for MAGEL2-related condition. Last evaluated: 2025-02-12. Review status: criteria provided, single submitter. Criteria: ACMG Guidelines, 2015. Collection method: clinical testing. Allele origin: germline.
Comment: The MAGEL2 c.3524C>T variant is predicted to result in the amino acid substitution p.Thr1175Ile. To our knowledge, this variant has not been reported in the literature or in a large population database (gnomAD), indicating this variant is rare. At this time, the clinical significance of this variant is uncertain due to the absence of conclusive functional and genetic evidence.

Labcorp Genetics (formerly Invitae), Labcorp
Classification: Uncertain significance. Last evaluated: 2024-10-22. Review status: criteria provided, single submitter. Criteria: Invitae Variant Classification Sherloc (09022015). Collection method: clinical testing. Allele origin: germline.
Comment: This sequence change replaces threonine, which is neutral and polar, with isoleucine, which is neutral and non-polar, at codon 1175 of the MAGEL2 protein (p.Thr1175Ile). This variant is not present in population databases (gnomAD no frequency). This variant has not been reported in the literature in individuals affected with MAGEL2-related conditions. Invitae Evidence Modeling of protein sequence and biophysical properties (such as structural, functional, and spatial information, amino acid conservation, physicochemical variation, residue mobility, and thermodynamic stability) has been performed for this missense variant. However, the output from this modeling did not meet the statistical confidence thresholds required to predict the impact of this variant on MAGEL2 protein function. In summary, the available evidence is currently insufficient to determine the role of this variant in disease. Therefore, it has been classified as a Variant of Uncertain Significance.

NM_019066.5(MAGEL2):c.3524C>T (p.Thr1175Ile)

Gene: MAGEL2 (MAGE family member L2; minus strand). Cytogenetic location: 15q11.2.
Variant type: single nucleotide variant.
Coding change: c.3524C>T on transcript NM_019066.5 (MANE Select); coding-DNA position 3524, C replaced by T.
Protein change: p.Thr1175Ile; replaces threonine 1175 with isoleucine.
Molecular consequence: missense variant.
Genome position (GRCh38, 1-based): chr15:23,644,219, G>A on the plus strand (C>T on the coding strand, the complement: MAGEL2 is on the minus strand). VCF-style: chr15-23644219-G-A. GRCh37 (hg19) VCF-style: chr15-23889366-G-A.
Other names: short protein forms T1175I.
Identifiers: ClinVar variation 3031900 (VCV003031900.5), dbSNP rs868442230, ClinGen allele CA267657605.